The following is an entry in ClinVar:

ClinVar aggregate classification (germline): Uncertain significance. Review status: criteria provided, multiple submitters, no conflicts (2 of 4 stars). 6 submissions from 6 submitters: Uncertain significance (6). Last evaluated 2025-10-15.

Conditions:
Glycogen storage disease type X (GSD10). Also called: PGAMM DEFICIENCY; PHOSPHOGLYCERATE MUTASE, MUSCLE, DEFICIENCY OF; Dimauro disease; Glycogen storage disease due to phosphoglycerate mutase deficiency; MYOPATHY DUE TO PHOSPHOGLYCERATE MUTASE DEFICIENCY; GSD X. Identifiers: Orphanet 97234, MedGen C0268149, MONDO:0009865, OMIM 261670.
Inborn genetic diseases. Identifiers: MedGen C0950123, MeSH D030342.

Allele frequency attached by ClinVar (database versions not stated): gnomAD 0.00034 and 0.00032; gnomAD exomes 0.00023; ESP Exome Variant Server 0.00046; ExAC 0.00021; TOPMed 0.00035.
gnomAD v4.1: 810 of 1,610,820 alleles (0.05%); highest among the groups gnomAD compares: Non-Finnish European, 0.066%; 2 homozygotes.

Submissions (6):

Mayo Clinic Laboratories, Mayo Clinic
Classification: Uncertain significance. Last evaluated: 2025-10-15. Review status: criteria provided, single submitter. Criteria: ACMG Guidelines, 2015. Collection method: clinical testing. Allele origin: germline. Observed: 1 variant allele.
Comment: PP3_moderate

GeneDx
Classification: Uncertain significance. Last evaluated: 2025-02-07. Review status: criteria provided, single submitter. Criteria: GeneDx Variant Classification Process June 2021. Collection method: clinical testing. Allele origin: germline. Affected: yes.
Comment: In silico analysis supports that this missense variant has a deleterious effect on protein structure/function; In silico analysis suggests this variant may impact gene splicing. In the absence of RNA/functional studies, the actual effect of this sequence change is unknown.; Has not been previously published as pathogenic or benign to our knowledge

Ambry Genetics
Classification: Uncertain significance for Inborn genetic diseases. Last evaluated: 2024-05-24. Review status: criteria provided, single submitter. Criteria: Ambry Variant Classification Scheme 2023. Collection method: clinical testing. Allele origin: germline.

Labcorp Genetics (formerly Invitae), Labcorp
Classification: Uncertain significance for Glycogen storage disease type X. Last evaluated: 2022-06-22. Review status: criteria provided, single submitter. Criteria: Invitae Variant Classification Sherloc (09022015). Collection method: clinical testing. Allele origin: germline.
Comment: This sequence change replaces tryptophan, which is neutral and slightly polar, with cysteine, which is neutral and slightly polar, at codon 167 of the PGAM2 protein (p.Trp167Cys). This variant is present in population databases (rs150235677, gnomAD 0.05%). This variant has not been reported in the literature in individuals affected with PGAM2-related conditions. ClinVar contains an entry for this variant (Variation ID: 911380). Algorithms developed to predict the effect of missense changes on protein structure and function (SIFT, PolyPhen-2, Align-GVGD) all suggest that this variant is likely to be disruptive. Algorithms developed to predict the effect of sequence changes on RNA splicing suggest that this variant may create or strengthen a splice site. In summary, the available evidence is currently insufficient to determine the role of this variant in disease. Therefore, it has been classified as a Variant of Uncertain Significance.

Illumina Laboratory Services, Illumina
Classification: Uncertain significance for Glycogen storage disease type X. Last evaluated: 2018-01-13. Review status: criteria provided, single submitter. Criteria: ICSL Variant Classification Criteria 13 December 2019. Collection method: clinical testing. Allele origin: germline.

Breakthrough Genomics
Classification: Uncertain significance. Review status: criteria provided, single submitter. Criteria: ACMG Guidelines, 2015. Collection method: not provided. Allele origin: germline. Inheritance: Autosomal recessive inheritance. Affected: yes.

NM_000290.4(PGAM2):c.501G>T (p.Trp167Cys)

Genes: DBNL (drebrin like; plus strand), PGAM2 (phosphoglycerate mutase 2; minus strand), LOC129998341 (ATAC-STARR-seq lymphoblastoid active region 25924; plus strand). Cytogenetic location: 7p13.
Variant type: single nucleotide variant.
Coding change: c.501G>T on transcript NM_000290.4 (MANE Select); coding-DNA position 501, G replaced by T.
Protein change: p.Trp167Cys; replaces tryptophan 167 with cysteine.
Molecular consequence: missense variant. On other transcripts: 3 prime UTR variant (6).
Genome position (GRCh38, 1-based): chr7:44,064,926, C>A on the plus strand (G>T on the coding strand, the complement: PGAM2 is on the minus strand). VCF-style: chr7-44064926-C-A. GRCh37 (hg19) VCF-style: chr7-44104525-C-A.
Other names: p.Trp167Cys; c.*4010C>A (NM_001014436.3, NM_001122956.2, NM_001284313.2 and 3 more transcripts); short protein forms W167C.
Identifiers: ClinVar variation 911380 (VCV000911380.15), dbSNP rs150235677, ClinGen allele CA4236555.